The following is an entry in ClinVar:

ClinVar aggregate classification (germline): Uncertain significance (1 of 4 stars; one submission).

Conditions:
Aneurysm-osteoarthritis syndrome. Also called: SMAD3-Related Loeys-Dietz Syndrome; ANEURYSMS-OSTEOARTHRITIS SYNDROME; Loeys-Dietz syndrome, type 1C; LOEYS-DIETZ SYNDROME WITH OSTEOARTHRITIS. Identifiers: Orphanet 284984, MedGen C3151087, MONDO:0013426, OMIM 613795.

Submission:

All of Us Research Program, National Institutes of Health
Classification: Uncertain significance for Aneurysm-osteoarthritis syndrome. Last evaluated: 2023-05-16. Review status: criteria provided, single submitter. Criteria: ACMG Guidelines, 2015. Collection method: clinical testing. Allele origin: germline. Inheritance: Autosomal dominant inheritance. Observed: 1 variant allele, 1 heterozygote.
Comment: This missense variant replaces leucine with proline at codon 400 of the SMAD3 protein. Computational prediction suggests that this variant may have deleterious impact on protein structure and function (internally defined REVEL score threshold >= 0.7, PMID: 27666373). To our knowledge, functional studies have not been reported for this variant. This variant has been reported in one individual affected with Loeys-Dietz syndrome (PMID: 29392890). This variant has not been identified in the general population by the Genome Aggregation Database (gnomAD). The available evidence is insufficient to determine the role of this variant in disease conclusively. Therefore, this variant is classified as a Variant of Uncertain Significance.

This study involves interpretation of variants in research participants for the purpose of population health screening. Participant phenotype was not available at the time of variant classification. Additional details can be found in publication PMID: 35346344, PMCID: PMC8962531

Literature cited by the submitters: PubMed 29392890.

NM_005902.4(SMAD3):c.1199T>C (p.Leu400Pro)

Gene: SMAD3 (SMAD family member 3; plus strand). Cytogenetic location: 15q22.33.
Variant type: single nucleotide variant.
Coding change: c.1199T>C on transcript NM_005902.4 (MANE Select); coding-DNA position 1199, T replaced by C.
Protein change: p.Leu400Pro; replaces leucine 400 with proline.
Molecular consequence: missense variant.
Genome position (GRCh38, 1-based): chr15:67,190,457, T>C. VCF-style: chr15-67190457-T-C. GRCh37 (hg19) VCF-style: chr15-67482795-T-C.
Other names: c.884T>C, p.Leu295Pro (NM_001145102.2, NM_001407016.1); c.1067T>C, p.Leu356Pro (NM_001145103.2, NM_001407012.1); c.614T>C, p.Leu205Pro (NM_001145104.2, NM_001407017.1); c.1310T>C, p.Leu437Pro (NM_001407011.1); c.1061T>C, p.Leu354Pro (NM_001407013.1); c.1052T>C, p.Leu351Pro (NM_001407014.1); c.752T>C, p.Leu251Pro (NM_001407015.1); short protein forms L205P, L251P, L295P, L351P, L354P, L356P, L400P, L437P.
Identifiers: ClinVar variation 3071003 (VCV003071003.1), dbSNP rs2505322787, ClinGen allele CA392958773.